The following is an entry in ClinVar:

ClinVar aggregate classification (germline): Uncertain significance. Review status: criteria provided, multiple submitters, no conflicts (2 of 4 stars). 4 submissions from 4 submitters: Uncertain significance (4). Last evaluated 2025-11-06.

Conditions:
Cardiomyopathy (CMYO). Also called: Cardiomyopathies. Identifiers: Orphanet 167848, MedGen C0878544, MONDO:0004994, HP:0001638. Inheritance: Various modes of inheritance.
Hypertrophic cardiomyopathy. Also called: HYPERTROPHIC MYOCARDIOPATHY. Identifiers: Orphanet 217569, MedGen C0007194, MeSH D002312, MONDO:0005045, HP:0001639.
Cardiovascular phenotype. Identifiers: MedGen CN230736.

Allele frequency attached by ClinVar (database versions not stated): gnomAD 0.00001; gnomAD exomes 0.00001; TOPMed 0.00001.
gnomAD v4.1: 8 of 1,613,562 alleles (0.0005%); highest among the groups gnomAD compares: Non-Finnish European, 0.00059%; no homozygotes.

Submissions (4):

Labcorp Genetics (formerly Invitae), Labcorp
Classification: Uncertain significance for Hypertrophic cardiomyopathy. Last evaluated: 2025-11-06. Review status: criteria provided, single submitter. Criteria: Invitae Variant Classification Sherloc (09022015). Collection method: clinical testing. Allele origin: germline.
Comment: This sequence change falls in intron 32 of the MYBPC3 gene. It does not directly change the encoded amino acid sequence of the MYBPC3 protein. It affects a nucleotide within the consensus splice site. This variant is present in population databases (no rsID available, gnomAD 0.007%). This variant has not been reported in the literature in individuals affected with MYBPC3-related conditions. ClinVar contains an entry for this variant (Variation ID: 1186373). Variants that disrupt the consensus splice site are a relatively common cause of aberrant splicing (PMID: 17576681, 9536098). Algorithms developed to predict the effect of sequence changes on RNA splicing suggest that this variant may disrupt the consensus splice site. In summary, the available evidence is currently insufficient to determine the role of this variant in disease. Therefore, it has been classified as a Variant of Uncertain Significance.

Color Diagnostics, LLC DBA Color Health
Classification: Uncertain significance for Cardiomyopathy. Last evaluated: 2025-07-09. Review status: criteria provided, single submitter. Criteria: ACMG Guidelines, 2015. Collection method: clinical testing. Allele origin: germline.
Comment: This variant causes a T to A nucleotide substitution at the -3 position of intron 32 of the MYBPC3 gene. To our knowledge, functional studies have not been reported for this variant. This variant has not been reported in individuals affected with MYBPC3-related disorders in the literature. This variant has been identified in 1/31400 chromosomes in the general population by the Genome Aggregation Database (gnomAD). The available evidence is insufficient to determine the role of this variant in disease conclusively. Therefore, this variant is classified as a Variant of Uncertain Significance.

Ambry Genetics
Classification: Uncertain significance for Cardiovascular phenotype. Last evaluated: 2024-03-11. Review status: criteria provided, single submitter. Criteria: Ambry Variant Classification Scheme 2023. Collection method: clinical testing. Allele origin: germline.
Comment: The c.3628-3T>A intronic variant results from a T to A substitution 3 nucleotides upstream from coding exon 33 in the MYBPC3 gene. This nucleotide position is poorly conserved in available vertebrate species. In silico splice site analysis for this alteration is inconclusive. Based on the available evidence, the clinical significance of this alteration remains unclear.

GeneDx
Classification: Uncertain significance. Last evaluated: 2021-03-12. Review status: criteria provided, single submitter. Criteria: GeneDx Variant Classification Process June 2021. Collection method: clinical testing. Allele origin: germline. Affected: yes.
Comment: Not observed at a significant frequency in large population cohorts (Lek et al., 2016); In silico analysis supports a deleterious effect on splicing; Has not been previously published as pathogenic or benign to our knowledge

Literature cited by the submitters: PubMed 17576681 (cited by Labcorp Genetics (formerly Invitae), Labcorp); PubMed 9536098 (cited by Labcorp Genetics (formerly Invitae), Labcorp).

NM_000256.3(MYBPC3):c.3628-3T>A

Gene: MYBPC3 (myosin binding protein C3; minus strand). Cytogenetic location: 11p11.2.
Variant type: single nucleotide variant.
Coding change: c.3628-3T>A on transcript NM_000256.3 (MANE Select); 3 bases into the intron before coding-DNA position 3628, T replaced by A.
Molecular consequence: intron variant.
Genome position (GRCh38, 1-based): chr11:47,332,261, A>T on the plus strand (T>A on the coding strand, the complement: MYBPC3 is on the minus strand). VCF-style: chr11-47332261-A-T. GRCh37 (hg19) VCF-style: chr11-47353812-A-T.
Identifiers: ClinVar variation 1186373 (VCV001186373.10), dbSNP rs1369347280, ClinGen allele CA599374102.